The following is an entry in ClinVar:

NM_001001344.3(ATP2B3):c.3279C>T (p.Ala1093=)

Gene: ATP2B3 (ATPase plasma membrane Ca2+ transporting 3; plus strand). Cytogenetic location: Xq28.
Variant type: single nucleotide variant.
Coding change: c.3279C>T on transcript NM_001001344.3 (MANE Select); coding-DNA position 3279, C replaced by T.
Protein change: p.Ala1093=; no amino-acid change (alanine 1093 retained).
Molecular consequence: synonymous variant.
Genome position (GRCh38, 1-based): chrX:153,565,040, C>T. VCF-style: chrX-153565040-C-T. GRCh37 (hg19) VCF-style: chrX-152830498-C-T.
Other names: c.3279C>T, p.Ala1093= (NM_001388360.1, NM_001388361.1, NM_001388362.1 and 1 more transcripts); c.3237C>T, p.Ala1079= (NM_001410708.1).
Identifiers: ClinVar variation 1701615 (VCV001701615.31), dbSNP rs2124514421, ClinGen allele CA519203500.

ClinVar aggregate classification (germline): Likely benign (1 of 4 stars; one submission).

Allele frequency attached by ClinVar (database versions not stated): gnomAD exomes below 0.00001.
gnomAD v4.1: 1 of 1,200,730 alleles (0.000083%); highest among the groups gnomAD compares: Non-Finnish European, 0.00011%; no homozygotes.

Submission:

CeGaT Center for Human Genetics Tuebingen
Classification: Likely benign. Last evaluated: 2022-07-01. Review status: criteria provided, single submitter. Criteria: CeGaT Center For Human Genetics Tuebingen Variant Classification Criteria Version 2. Collection method: clinical testing. Allele origin: germline. Affected: yes. Observed: 1 variant allele.
Comment: ATP2B3: PM2:Supporting, BP4, BP7